The following is an entry in ClinVar:

NM_017617.5(NOTCH1):c.788G>A (p.Gly263Glu)

Gene: NOTCH1 (notch receptor 1; minus strand). Cytogenetic location: 9q34.3.
Variant type: single nucleotide variant.
Coding change: c.788G>A on transcript NM_017617.5 (MANE Select); coding-DNA position 788, G replaced by A.
Protein change: p.Gly263Glu; replaces glycine 263 with glutamic acid.
Molecular consequence: missense variant.
Genome position (GRCh38, 1-based): chr9:136,519,520, C>T on the plus strand (G>A on the coding strand, the complement: NOTCH1 is on the minus strand). VCF-style: chr9-136519520-C-T. GRCh37 (hg19) VCF-style: chr9-139413972-C-T.
Other names: c.788G>A (NM_017617.3); short protein forms G263E.
Identifiers: ClinVar variation 1970358 (VCV001970358.7), dbSNP rs768903474, ClinGen allele CA5342039.

ClinVar aggregate classification (germline): Conflicting classifications of pathogenicity. Review status: criteria provided, conflicting classifications (1 of 4 stars). 3 submissions from 3 submitters: Uncertain significance (1); Likely benign (2). Last evaluated 2025-03-10.

Conditions:
Adams-Oliver syndrome 5 (AOS5). Identifiers: Orphanet 974, MedGen C4014970, MONDO:0014459, OMIM 616028.
Familial thoracic aortic aneurysm and aortic dissection (TAAD). Also called: Thoracic aortic aneurysms and dissections. Identifiers: Orphanet 91387, MedGen C4707243, MONDO:0019625.

Allele frequency attached by ClinVar (database versions not stated): ExAC 0.00001; TOPMed 0.00001; gnomAD exomes 0.00002.

Submissions (3):

GeneDx
Classification: Uncertain significance. Last evaluated: 2025-03-10. Review status: criteria provided, single submitter. Criteria: GeneDx Variant Classification Process June 2021. Collection method: clinical testing. Allele origin: germline. Affected: yes.
Comment: Not observed at significant frequency in large population cohorts (gnomAD); In silico analysis supports that this missense variant has a deleterious effect on protein structure/function; Has not been previously published as pathogenic or benign to our knowledge

Ambry Genetics
Classification: Likely benign for Familial thoracic aortic aneurysm and aortic dissection. Last evaluated: 2024-05-16. Review status: criteria provided, single submitter. Criteria: Ambry Variant Classification Scheme 2023. Collection method: clinical testing. Allele origin: germline.

Labcorp Genetics (formerly Invitae), Labcorp
Classification: Likely benign for Adams-Oliver syndrome 5. Last evaluated: 2024-03-06. Review status: criteria provided, single submitter. Criteria: Invitae Variant Classification Sherloc (09022015). Collection method: clinical testing. Allele origin: germline.